The following is an entry in ClinVar:

ClinVar aggregate classification (germline): Uncertain significance (1 of 4 stars; one submission).

Conditions:
Hereditary cancer-predisposing syndrome. Also called: Tumor predisposition; Hereditary neoplastic syndrome; Hereditary Cancer Syndrome; Neoplastic Syndromes, Hereditary. Identifiers: Orphanet 140162, MedGen C0027672, MeSH D009386, MONDO:0015356.

Submission:

Ambry Genetics
Classification: Uncertain significance for Hereditary cancer-predisposing syndrome. Last evaluated: 2025-12-17. Review status: criteria provided, single submitter. Criteria: Ambry Variant Classification Scheme 2023. Collection method: clinical testing. Allele origin: germline.
Comment: The p.K2505T variant (also known as c.7514A>C), located in coding exon 49 of the ATM gene, results from an A to C substitution at nucleotide position 7514. The lysine at codon 2505 is replaced by threonine, an amino acid with similar properties. This amino acid position is conserved. In addition, the in silico prediction for this alteration is inconclusive. Based on the available evidence, the clinical significance of this variant remains unclear.

NM_000051.4(ATM):c.7514A>C (p.Lys2505Thr)

Genes: ATM (ATM serine/threonine kinase; plus strand), C11orf65 (chromosome 11 open reading frame 65; minus strand). Cytogenetic location: 11q22.3.
Variant type: single nucleotide variant.
Coding change: c.7514A>C on transcript NM_000051.4 (MANE Select); coding-DNA position 7514, A replaced by C.
Protein change: p.Lys2505Thr; replaces lysine 2505 with threonine.
Molecular consequence: missense variant. On other transcripts: intron variant (2).
Genome position (GRCh38, 1-based): chr11:108,330,420, A>C. VCF-style: chr11-108330420-A-C. GRCh37 (hg19) VCF-style: chr11-108201147-A-C.
Other names: c.7514A>C, p.Lys2505Thr (NM_001351834.2); c.641-21349T>G (NM_001330368.2); c.*38+4800T>G (NM_001351110.2); short protein forms K2505T.
Identifiers: ClinVar variation 4843903 (VCV004843903.1).